The following is an entry in ClinVar:

NM_017777.4(MKS1):c.1613G>T (p.Arg538Leu)

Gene: MKS1 (MKS transition zone complex subunit 1; minus strand). Cytogenetic location: 17q22.
Variant type: single nucleotide variant.
Coding change: c.1613G>T on transcript NM_017777.4 (MANE Select); coding-DNA position 1613, G replaced by T.
Protein change: p.Arg538Leu; replaces arginine 538 with leucine.
Molecular consequence: missense variant. On other transcripts: synonymous variant (1), 3 prime UTR variant (1).
Genome position (GRCh38, 1-based): chr17:58,206,146, C>A on the plus strand (G>T on the coding strand, the complement: MKS1 is on the minus strand). VCF-style: chr17-58206146-C-A. GRCh37 (hg19) VCF-style: chr17-56283507-C-A.
Other names: c.1004G>T, p.Arg335Leu (NM_001321268.2); c.1530G>T, p.Pro510= (NM_001321269.2); c.*25G>T (NM_001330397.2); c.1613G>T (NM_017777.3); short protein forms R335L, R538L.
Identifiers: ClinVar variation 1037568 (VCV001037568.8), dbSNP rs557678962, ClinGen allele CA8669056.

ClinVar aggregate classification (germline): Uncertain significance. Review status: criteria provided, multiple submitters, no conflicts (2 of 4 stars). 3 submissions from 3 submitters: Uncertain significance (2). 1 of the submissions does not count toward it. Last evaluated 2026-09-25.

Conditions:
MKS1-related disorder. Also called: MKS1-related disorders; MKS1-related condition. Identifiers: MedGen CN239382.
Joubert syndrome. Also called: Familial aplasia of the vermis; JOUBERT-BOLTSHAUSER SYNDROME. Identifiers: Orphanet 475, MedGen C5979921, MONDO:0018772.
Meckel-Gruber syndrome. Also called: DYSENCEPHALIA SPLANCHNOCYSTICA; GRUBER SYNDROME; Dysencephalia splachnocystica. Identifiers: Orphanet 564, MedGen C0265215, MONDO:0018921.
Meckel syndrome, type 1 (MKS1). Also called: MECKEL-GRUBER SYNDROME, TYPE 1. Identifiers: Orphanet 564, MedGen C3714506, MONDO:0009571, OMIM 249000.

gnomAD v4.1: 4 of 1,613,478 alleles (0.00025%); highest among the groups gnomAD compares: African/African-American, 0.0013%; no homozygotes.

Submissions (3):

PreventionGenetics, part of Exact Sciences
Classification: Uncertain significance for MKS1-related condition. Last evaluated: 2026-09-25. Review status: criteria provided, single submitter. Criteria: ACMG Guidelines, 2015. Collection method: clinical testing. Allele origin: germline.
Comment: The MKS1 c.1613G>T variant is predicted to result in the amino acid substitution p.Arg538Leu. To our knowledge, this variant has not been reported in the literature. This variant is reported in 0.0065% of alleles in individuals of African descent in gnomAD. At this time, the clinical significance of this variant is uncertain due to the absence of conclusive functional and genetic evidence.

Labcorp Genetics (formerly Invitae), Labcorp
Classification: Uncertain significance for Joubert syndrome; Meckel-Gruber syndrome. Last evaluated: 2022-10-16. Review status: criteria provided, single submitter. Criteria: Invitae Variant Classification Sherloc (09022015). Collection method: clinical testing. Allele origin: germline.
Comment: This sequence change replaces arginine, which is basic and polar, with leucine, which is neutral and non-polar, at codon 538 of the MKS1 protein (p.Arg538Leu). This variant is present in population databases (rs557678962, gnomAD 0.007%). This variant has not been reported in the literature in individuals affected with MKS1-related conditions. ClinVar contains an entry for this variant (Variation ID: 1037568). Advanced modeling of protein sequence and biophysical properties (such as structural, functional, and spatial information, amino acid conservation, physicochemical variation, residue mobility, and thermodynamic stability) performed at Invitae indicates that this missense variant is expected to disrupt MKS1 protein function. In summary, the available evidence is currently insufficient to determine the role of this variant in disease. Therefore, it has been classified as a Variant of Uncertain Significance.

Natera, Inc.
Classification: Uncertain significance for Meckel syndrome type 1. Last evaluated: 2021-05-18. Review status: no assertion criteria provided. Collection method: clinical testing. Allele origin: germline. Not counted in ClinVar's aggregate classification.